The following is an entry in ClinVar:

ClinVar aggregate classification (germline): Uncertain significance (1 of 4 stars; one submission).

Conditions:
Intellectual developmental disorder, X-linked 1. Also called: Atkin Flaitz Patil Smith syndrome; Intellectual disability, X-linked 1; MENTAL RETARDATION, X-LINKED 18; MENTAL RETARDATION, X-LINKED 78. Identifiers: Orphanet 777, MedGen C2931498, MONDO:0010656, OMIM 309530.

Allele frequency attached by ClinVar (database versions not stated): gnomAD 0.00002; TOPMed 0.00002.
gnomAD v4.1: 26 of 1,210,652 alleles (0.0021%); highest among the groups gnomAD compares: Non-Finnish European, 0.0023%; no homozygotes.

Submission:

Labcorp Genetics (formerly Invitae), Labcorp
Classification: Uncertain significance for Intellectual developmental disorder, X-linked 1. Last evaluated: 2021-05-18. Review status: criteria provided, single submitter. Criteria: Invitae Variant Classification Sherloc (09022015). Collection method: clinical testing. Allele origin: germline.
Comment: In summary, the available evidence is currently insufficient to determine the role of this variant in disease. Therefore, it has been classified as a Variant of Uncertain Significance. Advanced modeling of protein sequence and biophysical properties (such as structural, functional, and spatial information, amino acid conservation, physicochemical variation, residue mobility, and thermodynamic stability) performed at Invitae indicates that this missense variant is not expected to disrupt IQSEC2 protein function. This variant has not been reported in the literature in individuals with IQSEC2-related conditions. This variant is not present in population databases (ExAC no frequency). This sequence change replaces proline with threonine at codon 537 of the IQSEC2 protein (p.Pro537Thr). The proline residue is weakly conserved and there is a small physicochemical difference between proline and threonine.

NM_001111125.3(IQSEC2):c.1609C>A (p.Pro537Thr)

Gene: IQSEC2 (IQ motif and Sec7 domain ArfGEF 2; minus strand). Cytogenetic location: Xp11.22.
Variant type: single nucleotide variant.
Coding change: c.1609C>A on transcript NM_001111125.3 (MANE Select); coding-DNA position 1609, C replaced by A.
Protein change: p.Pro537Thr; replaces proline 537 with threonine.
Molecular consequence: missense variant.
Genome position (GRCh38, 1-based): chrX:53,250,967, G>T on the plus strand (C>A on the coding strand, the complement: IQSEC2 is on the minus strand). VCF-style: chrX-53250967-G-T. GRCh37 (hg19) VCF-style: chrX-53280149-G-T.
Other names: c.994C>A, p.Pro332Thr (NM_015075.2); short protein forms P537T, P332T.
Identifiers: ClinVar variation 1419568 (VCV001419568.8), dbSNP rs1389197755, ClinGen allele CA413165092.